The following is an entry in ClinVar:

NM_177924.5(ASAH1):c.704G>A (p.Gly235Asp)

Gene: ASAH1 (N-acylsphingosine amidohydrolase 1; minus strand). Cytogenetic location: 8p22.
Variant type: single nucleotide variant.
Coding change: c.704G>A on transcript NM_177924.5 (MANE Select); coding-DNA position 704, G replaced by A.
Protein change: p.Gly235Asp; replaces glycine 235 with aspartic acid.
Molecular consequence: missense variant.
Genome position (GRCh38, 1-based): chr8:18,061,458, C>T on the plus strand (G>A on the coding strand, the complement: ASAH1 is on the minus strand). VCF-style: chr8-18061458-C-T. GRCh37 (hg19) VCF-style: chr8-17918967-C-T.
Other names: c.686G>A, p.Gly229Asp (NM_001127505.3); c.509G>A, p.Gly170Asp (NM_001363743.2); c.752G>A, p.Gly251Asp (NM_004315.6); short protein forms G235D, G251D, G229D, G170D.
Identifiers: ClinVar variation 362375 (VCV000362375.7), dbSNP rs886062781, ClinGen allele CA10630531.

ClinVar aggregate classification (germline): Likely pathogenic. Review status: criteria provided, multiple submitters, no conflicts (2 of 4 stars). 2 submissions from 2 submitters: Likely pathogenic (2). Last evaluated 2019-07-26.

gnomAD v4.1: 1 of 1,610,128 alleles (0.000062%); highest among the groups gnomAD compares: Non-Finnish European, 0.000085%; no homozygotes.

Submissions (2):

GeneDx
Classification: Likely pathogenic. Last evaluated: 2019-07-26. Review status: criteria provided, single submitter. Criteria: GeneDx Variant Classification (06012015). Collection method: clinical testing. Allele origin: germline. Affected: yes.
Comment: The G235D variant has been reported in an infant with contractures and joint pain that progressed to subcutaneous nodules and hoarseness of the voice who harbored another variant in the ASAH1 gene (Tocoletti et al., 2014). The G235D variant is not observed in large population cohorts (Lek et al., 2016). The G235D variant is a non-conservative amino acid substitution, which is likely to impact secondary protein structure as these residues differ in polarity, charge, size and/or other properties. In-silico analyses, including protein predictors and evolutionary conservation, support a deleterious effect. A different missense change at this residue (G235R) has been reported as pathogenic in the published literature in association with ASAH1-related disorders (Muramatsu et al., 2002; Bashyam et al., 2014). In summary, we interpret G235D as a likely pathogenic variant.

Clinical Genetics and Genomics, Karolinska University Hospital
Classification: Likely pathogenic. Last evaluated: 2015-04-10. Review status: criteria provided, single submitter. Criteria: ACMG Guidelines, 2015. Collection method: clinical testing. Allele origin: germline. Affected: yes. Observed: 4 variant alleles.